The following is an entry in ClinVar:

ClinVar aggregate classification (germline): Uncertain significance (1 of 4 stars; one submission).

Submission:

Labcorp Genetics (formerly Invitae), Labcorp
Classification: Uncertain significance. Last evaluated: 2024-02-07. Review status: criteria provided, single submitter. Criteria: Invitae Variant Classification Sherloc (09022015). Collection method: clinical testing. Allele origin: germline.
Comment: This sequence change replaces asparagine, which is neutral and polar, with serine, which is neutral and polar, at codon 316 of the PPP3CA protein (p.Asn316Ser). This variant is not present in population databases (gnomAD no frequency). This variant has not been reported in the literature in individuals affected with PPP3CA-related conditions. Advanced modeling of protein sequence and biophysical properties (such as structural, functional, and spatial information, amino acid conservation, physicochemical variation, residue mobility, and thermodynamic stability) performed at Invitae indicates that this missense variant is not expected to disrupt PPP3CA protein function with a negative predictive value of 80%. In summary, the available evidence is currently insufficient to determine the role of this variant in disease. Therefore, it has been classified as a Variant of Uncertain Significance.

NM_000944.5(PPP3CA):c.947A>G (p.Asn316Ser)

Gene: PPP3CA (protein phosphatase 3 catalytic subunit alpha; minus strand). Cytogenetic location: 4q24.
Variant type: single nucleotide variant.
Coding change: c.947A>G on transcript NM_000944.5 (MANE Select); coding-DNA position 947, A replaced by G.
Protein change: p.Asn316Ser; replaces asparagine 316 with serine.
Molecular consequence: missense variant.
Genome position (GRCh38, 1-based): chr4:101,080,540, T>C on the plus strand (A>G on the coding strand, the complement: PPP3CA is on the minus strand). VCF-style: chr4-101080540-T-C. GRCh37 (hg19) VCF-style: chr4-102001697-T-C.
Other names: c.947A>G, p.Asn316Ser (NM_001130691.2, NM_001130692.2); short protein forms N316S.
Identifiers: ClinVar variation 3639519 (VCV003639519.2).